The following is an entry in ClinVar:

NM_005515.4(MNX1):c.562C>T (p.Gln188Ter)

Gene: MNX1 (motor neuron and pancreas homeobox 1; minus strand). Cytogenetic location: 7q36.3.
Variant type: single nucleotide variant.
Coding change: c.562C>T on transcript NM_005515.4 (MANE Select); coding-DNA position 562, C replaced by T.
Protein change: p.Gln188Ter; replaces glutamine 188 with a stop codon.
Molecular consequence: nonsense.
Genome position (GRCh38, 1-based): chr7:157,009,789, G>A on the plus strand (C>T on the coding strand, the complement: MNX1 is on the minus strand). VCF-style: chr7-157009789-G-A. GRCh37 (hg19) VCF-style: chr7-156802483-G-A.
Other names: short protein forms Q188*.
Identifiers: ClinVar variation 1685952 (VCV001685952.3), dbSNP rs2134846165, ClinGen allele CA370164176.

ClinVar aggregate classification (germline): Pathogenic/Likely pathogenic. Review status: criteria provided, multiple submitters, no conflicts (2 of 4 stars). 2 submissions from 2 submitters: Pathogenic (1); Likely pathogenic (1). Last evaluated 2025-03-14.

Conditions:
Currarino triad. Identifiers: Orphanet 1552, MedGen C1531773, MONDO:0008305, OMIM 176450.

Submissions (2):

Dasa
Classification: Likely pathogenic. Last evaluated: 2025-03-14. Review status: criteria provided, single submitter. Criteria: DASA Assertion Criteria. Collection method: clinical testing. Allele origin: germline.
Comment: NM_005515.4(MNX1):c.562C>T (p.Gln188*) is a nonsense variant in MNX1 predicted to introduce a premature termination codon and is predicted to result in an absent or altered protein product. Loss of function is an established disease mechanism for MNX1 (PMID: 18449898; PMID: 10749657). Also, this variant is absent from population databases. Based on the currently available evidence, this variant is classified as likely pathogenic.

Mendelics
Classification: Pathogenic for Currarino triad. Last evaluated: 2022-05-04. Review status: criteria provided, single submitter. Criteria: Mendelics Assertion Criteria 2019. Collection method: clinical testing. Allele origin: germline.

Literature cited by the submitters: PubMed 18449898 (cited by Dasa); PubMed 10749657 (cited by Dasa).